The following is an entry in ClinVar:

ClinVar aggregate classification (germline): Likely benign. Review status: criteria provided, multiple submitters, no conflicts (2 of 4 stars). 3 submissions from 3 submitters: Likely benign (3). Last evaluated 2023-10-17.

Conditions:
Hereditary cancer-predisposing syndrome. Also called: Tumor predisposition; Hereditary neoplastic syndrome; Neoplastic Syndromes, Hereditary; Hereditary Cancer Syndrome. Identifiers: Orphanet 140162, MedGen C0027672, MeSH D009386, MONDO:0015356.
Fanconi anemia (FA). Also called: Fanconi's anemia. Identifiers: Orphanet 84, MedGen C0015625, MeSH D005199, MONDO:0019391.

Allele frequency attached by ClinVar (database versions not stated): gnomAD exomes below 0.00001; TOPMed below 0.00001; gnomAD 0.00001.
gnomAD v4.1: 5 of 1,614,110 alleles (0.00031%); highest among the groups gnomAD compares: East Asian, 0.0022%; no homozygotes.

Submissions (3):

Labcorp Genetics (formerly Invitae), Labcorp
Classification: Likely benign for Fanconi anemia. Last evaluated: 2023-10-17. Review status: criteria provided, single submitter. Criteria: Invitae Variant Classification Sherloc (09022015). Collection method: clinical testing. Allele origin: germline.

Ambry Genetics
Classification: Likely benign for Hereditary cancer-predisposing syndrome. Last evaluated: 2019-06-13. Review status: criteria provided, single submitter. Criteria: Ambry Variant Classification Scheme 2023. Collection method: clinical testing. Allele origin: germline.

GeneDx
Classification: Likely benign. Last evaluated: 2017-10-23. Review status: criteria provided, single submitter. Criteria: GeneDx Variant Classification (06012015). Collection method: clinical testing. Allele origin: germline. Affected: yes.
Comment: This variant is considered likely benign or benign based on one or more of the following criteria: it is a conservative change, it occurs at a poorly conserved position in the protein, it is predicted to be benign by multiple in silico algorithms, and/or has population frequency not consistent with disease.

NM_000136.3(FANCC):c.1488C>G (p.Leu496=)

Genes: FANCC (FA complementation group C; minus strand), AOPEP (aminopeptidase O (putative); plus strand). Cytogenetic location: 9q22.32.
Variant type: single nucleotide variant.
Coding change: c.1488C>G on transcript NM_000136.3 (MANE Select); coding-DNA position 1488, C replaced by G.
Protein change: p.Leu496=; no amino-acid change (leucine 496 retained).
Molecular consequence: synonymous variant.
Genome position (GRCh38, 1-based): chr9:95,107,111, G>C on the plus strand (C>G on the coding strand, the complement: FANCC is on the minus strand). VCF-style: chr9-95107111-G-C. GRCh37 (hg19) VCF-style: chr9-97869393-G-C.
Other names: c.1488C>G, p.Leu496= (NM_001243743.2).
Identifiers: ClinVar variation 379139 (VCV000379139.13), dbSNP rs1057520505, ClinGen allele CA16605737.
Genomic context (GRCh38, chr9:95,107,111, plus strand): 5'-CACAGGGAGACTTACCAGGGTGATGACATCCCAGGCGATCGTGTGGCCTCCAGGAGCCCA[G>C]AGCAGGAAGTTGAGGAGAAGGTGCCTGATCAGCTGTTGTGCAGGAGCTCTGAGGTCTGTG-3'
Protein context (NP_000127.2, residues 486-506): LIRHLLLNFL[Leu496=]WAPGGHTIAW